The following is an entry in ClinVar:

ClinVar aggregate classification (germline): Uncertain significance (1 of 4 stars; one submission).

Conditions:
Bardet-Biedl syndrome (BBS). Identifiers: Orphanet 110, MedGen C0752166, MONDO:0015229.

Allele frequency attached by ClinVar (database versions not stated): gnomAD exomes below 0.00001.
gnomAD v4.1: 2 of 1,613,018 alleles (0.00012%); highest among the groups gnomAD compares: South Asian, 0.0022%; no homozygotes.

Submission:

Labcorp Genetics (formerly Invitae), Labcorp
Classification: Uncertain significance for Bardet-Biedl syndrome. Last evaluated: 2024-04-10. Review status: criteria provided, single submitter. Criteria: Invitae Variant Classification Sherloc (09022015). Collection method: clinical testing. Allele origin: germline.
Comment: This sequence change replaces alanine, which is neutral and non-polar, with serine, which is neutral and polar, at codon 56 of the BBS7 protein (p.Ala56Ser). This variant is present in population databases (no rsID available, gnomAD 0.003%). This variant has not been reported in the literature in individuals affected with BBS7-related conditions. ClinVar contains an entry for this variant (Variation ID: 1006148). Algorithms developed to predict the effect of missense changes on protein structure and function output the following: SIFT: "Not Available"; PolyPhen-2: "Benign"; Align-GVGD: "Not Available". The serine amino acid residue is found in multiple mammalian species, which suggests that this missense change does not adversely affect protein function. In summary, the available evidence is currently insufficient to determine the role of this variant in disease. Therefore, it has been classified as a Variant of Uncertain Significance.

NM_176824.3(BBS7):c.166G>T (p.Ala56Ser)

Gene: BBS7 (Bardet-Biedl syndrome 7; minus strand). Cytogenetic location: 4q27.
Variant type: single nucleotide variant.
Coding change: c.166G>T on transcript NM_176824.3 (MANE Select); coding-DNA position 166, G replaced by T.
Protein change: p.Ala56Ser; replaces alanine 56 with serine.
Molecular consequence: missense variant.
Genome position (GRCh38, 1-based): chr4:121,861,679, C>A on the plus strand (G>T on the coding strand, the complement: BBS7 is on the minus strand). VCF-style: chr4-121861679-C-A. GRCh37 (hg19) VCF-style: chr4-122782834-C-A.
Other names: c.166G>T, p.Ala56Ser (NM_018190.4); short protein forms A56S.
Identifiers: ClinVar variation 1006148 (VCV001006148.4), dbSNP rs1407094427, ClinGen allele CA358044957.